The following is an entry in ClinVar:

ClinVar aggregate classification (germline): Uncertain significance (1 of 4 stars; one submission).

Conditions:
Werner syndrome (WRN). Identifiers: Orphanet 902, MedGen C0043119, MONDO:0010196, OMIM 277700.

Allele frequency attached by ClinVar (database versions not stated): ExAC 0.00001; gnomAD exomes 0.00001.

Submission:

Labcorp Genetics (formerly Invitae), Labcorp
Classification: Uncertain significance for Werner syndrome. Last evaluated: 2022-07-03. Review status: criteria provided, single submitter. Criteria: Invitae Variant Classification Sherloc (09022015). Collection method: clinical testing. Allele origin: germline.
Comment: This sequence change replaces methionine, which is neutral and non-polar, with valine, which is neutral and non-polar, at codon 1038 of the WRN protein (p.Met1038Val). This variant is present in population databases (rs749207633, gnomAD 0.009%). This variant has not been reported in the literature in individuals affected with WRN-related conditions. ClinVar contains an entry for this variant (Variation ID: 1015534). Algorithms developed to predict the effect of missense changes on protein structure and function output the following: SIFT: "Not Available"; PolyPhen-2: "Benign"; Align-GVGD: "Not Available". The valine amino acid residue is found in multiple mammalian species, which suggests that this missense change does not adversely affect protein function. In summary, the available evidence is currently insufficient to determine the role of this variant in disease. Therefore, it has been classified as a Variant of Uncertain Significance.

NM_000553.6(WRN):c.3112A>G (p.Met1038Val)

Gene: WRN (WRN RecQ like helicase; plus strand). Cytogenetic location: 8p12.
Variant type: single nucleotide variant.
Coding change: c.3112A>G on transcript NM_000553.6 (MANE Select); coding-DNA position 3112, A replaced by G.
Protein change: p.Met1038Val; replaces methionine 1038 with valine.
Molecular consequence: missense variant.
Genome position (GRCh38, 1-based): chr8:31,141,574, A>G. VCF-style: chr8-31141574-A-G. GRCh37 (hg19) VCF-style: chr8-30999090-A-G.
Other names: short protein forms M1038V.
Identifiers: ClinVar variation 1015534 (VCV001015534.2), dbSNP rs749207633, ClinGen allele CA4704936.